The following is an entry in ClinVar:

ClinVar aggregate classification (germline): Uncertain significance (1 of 4 stars; one submission).

Submission:

Labcorp Genetics (formerly Invitae), Labcorp
Classification: Uncertain significance. Last evaluated: 2025-12-21. Review status: criteria provided, single submitter. Criteria: Invitae Variant Classification Sherloc (09022015). Collection method: clinical testing. Allele origin: germline.
Comment: This sequence change replaces leucine, which is neutral and non-polar, with phenylalanine, which is neutral and non-polar, at codon 770 of the ARHGEF10 protein (p.Leu770Phe). This variant is not present in population databases (gnomAD no frequency). This variant has not been reported in the literature in individuals affected with ARHGEF10-related conditions. Invitae Evidence Modeling of protein sequence and biophysical properties (such as structural, functional, and spatial information, amino acid conservation, physicochemical variation, residue mobility, and thermodynamic stability) has been performed for this missense variant. However, the output from this modeling did not meet the statistical confidence thresholds required to predict the impact of this variant on ARHGEF10 protein function. In summary, the available evidence is currently insufficient to determine the role of this variant in disease. Therefore, it has been classified as a Variant of Uncertain Significance.

NM_014629.4(ARHGEF10):c.2308C>T (p.Leu770Phe)

Gene: ARHGEF10 (Rho guanine nucleotide exchange factor 10; plus strand). Cytogenetic location: 8p23.3.
Variant type: single nucleotide variant.
Coding change: c.2308C>T on transcript NM_014629.4 (MANE Select); coding-DNA position 2308, C replaced by T.
Protein change: p.Leu770Phe; replaces leucine 770 with phenylalanine.
Molecular consequence: missense variant.
Genome position (GRCh38, 1-based): chr8:1,923,516, C>T. VCF-style: chr8-1923516-C-T. GRCh37 (hg19) VCF-style: chr8-1871682-C-T.
Other names: c.2194C>T, p.Leu732Phe (NM_001308152.2, NM_001438094.1); c.2308C>T, p.Leu770Phe (NM_001308153.3); c.2311C>T, p.Leu771Phe (NM_001438091.1); c.2191C>T, p.Leu731Phe (NM_001438092.1, NM_001438093.1); short protein forms L731F, L794F, L770F, L771F, L732F.
Identifiers: ClinVar variation 4745289 (VCV004745289.1).